The following is an entry in ClinVar:

ClinVar aggregate classification (germline): Likely pathogenic (1 of 4 stars; one submission).

Conditions:
Severe combined immunodeficiency disease. Also called: Severe combined immunodeficiency; Severe Combined Immune Deficiency. Identifiers: Orphanet 183660, MedGen C0085110, MeSH D016511, MONDO:0015974, HP:0004430. Inheritance: X-Linked or Autosomal recessive.

Submission:

Women's Health and Genetics/Laboratory Corporation of America, LabCorp
Classification: Likely pathogenic for Severe combined immunodeficiency disease. Last evaluated: 2022-09-16. Review status: criteria provided, single submitter. Criteria: LabCorp Variant Classification Summary - May 2015. Collection method: clinical testing. Allele origin: germline.
Comment: Variant summary: STK4 c.831+2T>C is located in a canonical splice-site and is predicted to affect mRNA splicing resulting in a significantly altered protein due to either exon skipping, shortening, or inclusion of intronic material. Several computational tools predict a significant impact on normal splicing: Three predict the variant abolishes a 5 splicing donor site. One predicts the variant weakens a 5 donor site. However, these predictions have yet to be confirmed by functional studies. The variant was absent in 225744 control chromosomes (gnomAD). To our knowledge, no occurrence of c.831+2T>C in individuals affected with Severe Combined Immunodeficiency and no experimental evidence demonstrating its impact on protein function have been reported. No clinical diagnostic laboratories have submitted clinical-significance assessments for this variant to ClinVar after 2014. Based on the evidence outlined above, the variant was classified as likely pathogenic.

NM_006282.5(STK4):c.831+2T>C

Gene: STK4 (serine/threonine kinase 4; plus strand). Cytogenetic location: 20q13.12.
Variant type: single nucleotide variant.
Coding change: c.831+2T>C on transcript NM_006282.5 (MANE Select); the canonical splice donor site of the intron after coding-DNA position 831, T replaced by C.
Molecular consequence: splice donor variant.
Genome position (GRCh38, 1-based): chr20:44,997,308, T>C. VCF-style: chr20-44997308-T-C. GRCh37 (hg19) VCF-style: chr20-43625949-T-C.
Other names: c.831+2T>C (NM_001352385.2).
Identifiers: ClinVar variation 1722416 (VCV001722416.1), dbSNP rs2515632815, ClinGen allele CA409125466.